The following is an entry in ClinVar:

ClinVar aggregate classification (germline): Uncertain significance (0 of 4 stars; one submission).

Conditions:
SLC35C1-related disorder. Also called: SLC35C1-related condition.

Submission:

PreventionGenetics, part of Exact Sciences
Classification: Uncertain significance for SLC35C1-related condition. Last evaluated: 2024-09-20. Review status: no assertion criteria provided. Collection method: clinical testing. Allele origin: germline.
Comment: The SLC35C1 c.907A>G variant is predicted to result in the amino acid substitution p.Lys303Glu. To our knowledge, this variant has not been reported in the literature or in a large population database, indicating this variant is rare. At this time, the clinical significance of this variant is uncertain due to the absence of conclusive functional and genetic evidence.

NM_018389.5(SLC35C1):c.907A>G (p.Lys303Glu)

Gene: SLC35C1 (solute carrier family 35 member C1; plus strand). Cytogenetic location: 11p11.2.
Variant type: single nucleotide variant.
Coding change: c.907A>G on transcript NM_018389.5 (MANE Select); coding-DNA position 907, A replaced by G.
Protein change: p.Lys303Glu; replaces lysine 303 with glutamic acid.
Molecular consequence: missense variant.
Genome position (GRCh38, 1-based): chr11:45,811,147, A>G. VCF-style: chr11-45811147-A-G. GRCh37 (hg19) VCF-style: chr11-45832698-A-G.
Other names: c.868A>G, p.Lys290Glu (NM_001145265.2, NM_001145266.2, NM_001425156.1); c.907A>G, p.Lys303Glu (NM_001425155.1); short protein forms K290E, K303E.
Identifiers: ClinVar variation 3348810 (VCV003348810.1).